The following is an entry in ClinVar:

ClinVar aggregate classification (germline): Conflicting classifications of pathogenicity. Review status: criteria provided, conflicting classifications (1 of 4 stars). 3 submissions from 3 submitters: Uncertain significance (2); Likely benign (1). Last evaluated 2025-06-05.

Allele frequency attached by ClinVar (database versions not stated): ExAC 0.00002; gnomAD exomes 0.00004; gnomAD 0.00005 and 0.00006; TOPMed 0.00005; ESP Exome Variant Server 0.00008.
gnomAD v4.1: 72 of 1,613,580 alleles (0.0045%); highest among the groups gnomAD compares: African/African-American, 0.008%; no homozygotes.

Submissions (3):

Ambry Genetics
Classification: Likely benign. Last evaluated: 2025-06-05. Review status: criteria provided, single submitter. Criteria: Ambry Variant Classification Scheme 2023. Collection method: clinical testing. Allele origin: germline.

Blueprint Genetics
Classification: Uncertain significance. Last evaluated: 2023-12-22. Review status: criteria provided, single submitter. Criteria: ACMG Guidelines, 2015. Collection method: clinical testing. Allele origin: germline.

Labcorp Genetics (formerly Invitae), Labcorp
Classification: Uncertain significance. Last evaluated: 2023-07-17. Review status: criteria provided, single submitter. Criteria: Invitae Variant Classification Sherloc (09022015). Collection method: clinical testing. Allele origin: germline.
Comment: In summary, the available evidence is currently insufficient to determine the role of this variant in disease. Therefore, it has been classified as a Variant of Uncertain Significance. Experimental studies and prediction algorithms are not available or were not evaluated, and the functional significance of this variant is currently unknown. ClinVar contains an entry for this variant (Variation ID: 849905). This variant has not been reported in the literature in individuals affected with KIZ-related conditions. This variant is present in population databases (rs372338345, gnomAD 0.01%). This sequence change replaces proline, which is neutral and non-polar, with leucine, which is neutral and non-polar, at codon 277 of the KIZ protein (p.Pro277Leu).

NM_018474.6(KIZ):c.830C>T (p.Pro277Leu)

Gene: KIZ (kizuna centrosomal protein; plus strand). Cytogenetic location: 20p11.23.
Variant type: single nucleotide variant.
Coding change: c.830C>T on transcript NM_018474.6 (MANE Select); coding-DNA position 830, C replaced by T.
Protein change: p.Pro277Leu; replaces proline 277 with leucine.
Molecular consequence: missense variant.
Genome position (GRCh38, 1-based): chr20:21,162,295, C>T. VCF-style: chr20-21162295-C-T. GRCh37 (hg19) VCF-style: chr20-21142936-C-T.
Other names: c.521C>T, p.Pro174Leu (NM_001163022.3, NM_001352435.2); c.431C>T, p.Pro144Leu (NM_001163023.3); c.683C>T, p.Pro228Leu (NM_001276389.2); c.830C>T, p.Pro277Leu (NM_001352434.2); c.488C>T, p.Pro163Leu (NM_001352436.2); short protein forms P144L, P174L, P228L, P163L, P277L.
Identifiers: ClinVar variation 849905 (VCV000849905.10), dbSNP rs372338345, ClinGen allele CA9784711.